The following is an entry in ClinVar:

ClinVar aggregate classification (germline): Uncertain significance. Review status: criteria provided, multiple submitters, no conflicts (2 of 4 stars). 3 submissions from 3 submitters: Uncertain significance (2). 1 of the submissions does not count toward it. Last evaluated 2025-03-29.

Conditions:
Hereditary cancer-predisposing syndrome. Also called: Tumor predisposition; Hereditary neoplastic syndrome; Hereditary Cancer Syndrome; Neoplastic Syndromes, Hereditary. Identifiers: Orphanet 140162, MedGen C0027672, MeSH D009386, MONDO:0015356.
Malignant tumor of breast. Also called: Malignant breast neoplasm; Cancer breast. Identifiers: MedGen C0006142, MONDO:0007254. Disease mechanism: loss of function.

Allele frequency attached by ClinVar (database versions not stated): gnomAD exomes below 0.00001.
gnomAD v4.1: 5 of 1,614,018 alleles (0.00031%); highest among the groups gnomAD compares: Non-Finnish European, 0.00042%; no homozygotes.

Submissions (3):

Quest Diagnostics Nichols Institute San Juan Capistrano
Classification: Uncertain significance. Last evaluated: 2025-03-29. Review status: criteria provided, single submitter. Criteria: Quest Diagnostics criteria. Collection method: clinical testing. Allele origin: unknown.
Comment: The BRCA2 c.32T>G (p.Phe11Cys) variant has not been reported in individuals with BRCA2-related conditions in the published literature. It also has not been reported in large, multi-ethnic general populations (Genome Aggregation Database). Analysis of this variant using bioinformatics tools for the prediction of the effect of amino acid changes on protein structure and function yielded conflicting predictions that this variant is benign or damaging. Based on the available information, we are unable to determine the clinical significance of this variant.

Ambry Genetics
Classification: Uncertain significance for Hereditary cancer-predisposing syndrome. Last evaluated: 2023-10-22. Review status: criteria provided, single submitter. Criteria: Ambry Variant Classification Scheme 2023. Collection method: clinical testing. Allele origin: germline.
Comment: The p.F11C variant (also known as c.32T>G), located in coding exon 1 of the BRCA2 gene, results from a T to G substitution at nucleotide position 32. The phenylalanine at codon 11 is replaced by cysteine, an amino acid with highly dissimilar properties. This amino acid position is conserved. In addition, this alteration is predicted to be tolerated by in silico analysis. Since supporting evidence is limited at this time, the clinical significance of this alteration remains unclear.

Department of Pathology and Laboratory Medicine, Sinai Health System
Classification: Uncertain significance for Malignant tumor of breast. Review status: no assertion criteria provided. Collection method: clinical testing. Allele origin: unknown. Affected: yes. Study: The Canadian Open Genetics Repository (COGR). Not counted in ClinVar's aggregate classification.
Comment: The BRCA2 p.Phe11Cys variant was not identified in the literature nor was it identified in the dbSNP, ClinVar, or LOVD 3.0 databases. The variant was identified in UMD-LSDB (classified as uncertain significance). The variant was not identified in the following control databases: the Exome Aggregation Consortium (August 8th 2016) or the Genome Aggregation Database (Feb 27, 2017). The Phe11 residue is conserved in mammals but not in more distantly related organisms and 5 out of 5 computational analyses (PolyPhen-2, SIFT, AlignGVGD, BLOSUM, MutationTaster) suggest that the variant may impact the protein; however, this information is not predictive enough to assume pathogenicity. The variant occurs outside of the splicing consensus sequence and in silico or computational prediction software programs (SpliceSiteFinder, MaxEntScan, NNSPLICE, GeneSplicer) do not predict a difference in splicing. In summary, based on the above information, the clinical significance of this variant cannot be determined with certainty at this time. This variant is classified as a variant of uncertain significance.

NM_000059.4(BRCA2):c.32T>G (p.Phe11Cys)

Gene: BRCA2 (BRCA2 DNA repair associated; plus strand). Cytogenetic location: 13q13.1.
Variant type: single nucleotide variant.
Coding change: c.32T>G on transcript NM_000059.4 (MANE Select); coding-DNA position 32, T replaced by G.
Protein change: p.Phe11Cys; replaces phenylalanine 11 with cysteine.
Molecular consequence: missense variant.
Genome position (GRCh38, 1-based): chr13:32,316,492, T>G. VCF-style: chr13-32316492-T-G. GRCh37 (hg19) VCF-style: chr13-32890629-T-G.
Other names: c.32T>G (NM_000059.3); short protein forms F11C.
Identifiers: ClinVar variation 1050202 (VCV001050202.4), dbSNP rs2138698291, ClinGen allele CA387752994.